The following is an entry in ClinVar:

ClinVar aggregate classification (germline): Benign (3 of 4 stars; one submission).

Conditions:
Breast-ovarian cancer, familial, susceptibility to, 2 (BROVCA2). Also called: BRCA2 Hereditary Breast and Ovarian Cancer. Identifiers: Orphanet 145, MedGen C2675520, MONDO:0012933, OMIM 612555. Disease mechanism: loss of function.

Submission:

Evidence-based Network for the Interpretation of Germline Mutant Alleles (ENIGMA)
Classification: Benign for Breast-ovarian cancer, familial 2. Last evaluated: 2015-01-12. Review status: reviewed by expert panel. Criteria: ENIGMA BRCA1/2 Classification Criteria (2015). Collection method: curation. Allele origin: germline.
Comment: Class 1 not pathogenic based on frequency >1% in an outbred sampleset. Frequency 0.12 (European), derived from 1000 genomes (2012-04-30).

NM_000059.4(BRCA2):c.8332-1195_8332-1194del

Gene: BRCA2 (BRCA2 DNA repair associated; plus strand). Cytogenetic location: 13q13.1.
Variant type: Deletion.
Coding change: c.8332-1195_8332-1194del on transcript NM_000059.4 (MANE Select); 1195 bases into the intron before coding-DNA position 8332 through 1194 bases into the intron before coding-DNA position 8332, 2 bases deleted (AA; older notation c.8332-1195_8332-1194delAA).
Molecular consequence: intron variant.
Genome position (GRCh38, 1-based): chr13:32,369,207-32,369,208, AA deleted; deleting any 2 consecutive bases within chr13:32,369,206-32,369,208 gives the same sequence; the c. name uses the placement nearest the transcript's 3' end. VCF-style (leftmost placement, unchanged base first): chr13-32369205-TAA-T. GRCh37 (hg19) VCF-style: chr13-32943342-TAA-T.
Other names: IVS 18-1196del2.
Identifiers: ClinVar variation 209808 (VCV000209808.1), dbSNP rs68016733, ClinGen allele CA276776.